The following is an entry in ClinVar:

NM_001470.4(GABBR1):c.2121dup (p.Trp708fs)

Gene: GABBR1 (gamma-aminobutyric acid type B receptor subunit 1; minus strand). Cytogenetic location: 6p22.1.
Variant type: Duplication.
Coding change: c.2121dup on transcript NM_001470.4 (MANE Select); coding-DNA position 2121, one base duplicated (C; older notation c.2121dupC).
Protein change: p.Trp708fs; shifts the reading frame from tryptophan 708.
Molecular consequence: frameshift variant.
Genome position (GRCh38, 1-based): chr6:29,606,993, G duplicated on the plus strand (C on the coding strand, the reverse complement: GABBR1 is on the minus strand); the first of 3 consecutive G bases (chr6:29,606,993-29,606,995); duplicating any one gives the same sequence. VCF-style (leftmost placement, unchanged base first): chr6-29606992-A-AG. GRCh37 (hg19) VCF-style: chr6-29574769-A-AG.
Other names: c.1590dup, p.Trp531fs (NM_001319053.2); c.1770dup, p.Trp591fs (NM_021903.3); c.1935dup, p.Trp646fs (NM_021904.4); short protein forms W531fs, W591fs, W646fs, W708fs.
Identifiers: ClinVar variation 3364949 (VCV003364949.1).
Genomic context (GRCh38, chr6:29,606,992, plus strand): 5'-AGATGGCGAGAGTGAGGACATCCATGCCCACCAGCAGGCCCACTGTGGCATACAGCTTCC[A>AG]GGGTTCCAGAGTCTGGATAAATATGTGGGGAGAACAGGCACGTCAGGGGAAAATGCTCTG-3'

ClinVar aggregate classification (germline): Uncertain significance (1 of 4 stars; one submission).

Submission:

GeneDx
Classification: Uncertain significance. Last evaluated: 2023-11-28. Review status: criteria provided, single submitter. Criteria: GeneDx Variant Classification Process June 2021. Collection method: clinical testing. Allele origin: germline. Affected: yes.
Comment: Frameshift variant predicted to result in protein truncation or nonsense mediated decay in a gene or region of a gene for which loss of function is not a well-established mechanism of disease; Not observed at significant frequency in large population cohorts (gnomAD); Has not been previously published as pathogenic or benign to our knowledge